The following is an entry in ClinVar:

NM_001376.5(DYNC1H1):c.11015C>T (p.Ser3672Leu)

Gene: DYNC1H1 (dynein cytoplasmic 1 heavy chain 1; plus strand). Cytogenetic location: 14q32.31.
Variant type: single nucleotide variant.
Coding change: c.11015C>T on transcript NM_001376.5 (MANE Select); coding-DNA position 11015, C replaced by T.
Protein change: p.Ser3672Leu; replaces serine 3672 with leucine.
Molecular consequence: missense variant.
Genome position (GRCh38, 1-based): chr14:102,038,566, C>T. VCF-style: chr14-102038566-C-T. GRCh37 (hg19) VCF-style: chr14-102504903-C-T.
Other names: short protein forms S3672L.
Identifiers: ClinVar variation 1359385 (VCV001359385.11), dbSNP rs2152594747, ClinGen allele CA391031844.

ClinVar aggregate classification (germline): Pathogenic/Likely pathogenic. Review status: criteria provided, multiple submitters, no conflicts (2 of 4 stars). 3 submissions from 3 submitters: Pathogenic (1); Likely pathogenic (2). Last evaluated 2024-08-22.

Conditions:
Charcot-Marie-Tooth disease axonal type 2O. Also called: CHARCOT-MARIE-TOOTH NEUROPATHY, AXONAL, TYPE 2O; CHARCOT-MARIE-TOOTH DISEASE, AXONAL, AUTOSOMAL DOMINANT, TYPE 2O; Charcot-Marie-Tooth Neuropathy Type 2O; Charcot-Marie-Tooth disease, axonal, type 20. Identifiers: Orphanet 284232, MedGen C3280220, MONDO:0013644, OMIM 614228.
Cortical dysplasia, complex, with other brain malformations 13. Also called: Intellectual disability, autosomal dominant 13. Identifiers: MedGen C3281202, MONDO:0013805, OMIM 614563.

Submissions (3):

GeneDx
Classification: Likely pathogenic. Last evaluated: 2024-08-22. Review status: criteria provided, single submitter. Criteria: GeneDx Variant Classification Process June 2021. Collection method: clinical testing. Allele origin: germline. Affected: yes.
Comment: Identified apparently de novo in a patient with agenesis of corpus callosum, epilepsy, cerebral palsy, and microcephaly, however, similarly affected twin sibling does not harbor this variant (Otten et al., 2017); In silico analysis supports that this missense variant has a deleterious effect on protein structure/function; Not observed at significant frequency in large population cohorts (gnomAD); This variant is associated with the following publications: (PMID: 35099838, 25512093, 25609763, 26100331, Otten2017[Abstract])

Labcorp Genetics (formerly Invitae), Labcorp
Classification: Pathogenic for Charcot-Marie-Tooth disease axonal type 2O. Last evaluated: 2023-08-17. Review status: criteria provided, single submitter. Criteria: Invitae Variant Classification Sherloc (09022015). Collection method: clinical testing. Allele origin: germline.
Comment: For these reasons, this variant has been classified as Pathogenic. Advanced modeling of protein sequence and biophysical properties (such as structural, functional, and spatial information, amino acid conservation, physicochemical variation, residue mobility, and thermodynamic stability) has been performed at Invitae for this missense variant, however the output from this modeling did not meet the statistical confidence thresholds required to predict the impact of this variant on DYNC1H1 protein function. ClinVar contains an entry for this variant (Variation ID: 1359385). This missense change has been observed in individual(s) with clinical features of DYNC1H1-related conditions (PMID: 35099838; Invitae). In at least one individual the variant was observed to be de novo. This variant is not present in population databases (gnomAD no frequency). This sequence change replaces serine, which is neutral and polar, with leucine, which is neutral and non-polar, at codon 3672 of the DYNC1H1 protein (p.Ser3672Leu).

Institute for Medical Genetics and Human Genetics, Charité - Universitätsmedizin Berlin
Classification: Likely pathogenic for Cortical dysplasia, complex, with other brain malformations 13. Last evaluated: 2022-09-27. Review status: criteria provided, single submitter. Criteria: ACMG Guidelines, 2015. Collection method: clinical testing. Allele origin: germline. Inheritance: Autosomal dominant inheritance. Affected: yes. Observed: 1 heterozygote.

Literature cited by the submitters: PubMed 35099838 (cited by Labcorp Genetics (formerly Invitae), Labcorp).